The following is an entry in ClinVar:

NM_001999.4(FBN2):c.1867A>G (p.Thr623Ala)

Gene: FBN2 (fibrillin 2; minus strand). Cytogenetic location: 5q23.3.
Variant type: single nucleotide variant.
Coding change: c.1867A>G on transcript NM_001999.4 (MANE Select); coding-DNA position 1867, A replaced by G.
Protein change: p.Thr623Ala; replaces threonine 623 with alanine.
Molecular consequence: missense variant.
Genome position (GRCh38, 1-based): chr5:128,376,836, T>C on the plus strand (A>G on the coding strand, the complement: FBN2 is on the minus strand). VCF-style: chr5-128376836-T-C. GRCh37 (hg19) VCF-style: chr5-127712529-T-C.
Other names: short protein forms T623A.
Identifiers: ClinVar variation 3513593 (VCV003513593.3).
Genomic context (GRCh38, chr5:128,376,836, plus strand): 5'-AGATGCACTTGAAGCTGCCATCTTCATTGATGCACATTCCATTCAAACACATGTTGGTAG[T>C]TGTACATTCATCATGATCTGCAGAAGAGGATTGAGTGACTTTGAACACTGGCCTTGAGGG-3'
Protein context (NP_001990.2, residues 613-633): KNCVDHDECT[Thr623Ala]TNMCLNGMCI

ClinVar aggregate classification (germline): Conflicting classifications of pathogenicity. Review status: criteria provided, conflicting classifications (1 of 4 stars). 2 submissions from 2 submitters: Uncertain significance (1); Benign (1). Last evaluated 2025-09-03.

Conditions:
Familial thoracic aortic aneurysm and aortic dissection (TAAD). Also called: Thoracic aortic aneurysms and dissections. Identifiers: Orphanet 91387, MedGen C4707243, MONDO:0019625.
Congenital contractural arachnodactyly (CCA). Also called: BEALS SYNDROME; Beals-Hecht syndrome; Arthrogryposis, distal, type 9. Identifiers: Orphanet 115, MedGen C0220668, MONDO:0007363, OMIM 121050.

gnomAD v4.1: 23 of 1,613,462 alleles (0.0014%); highest among the groups gnomAD compares: Non-Finnish European, 0.0019%; no homozygotes.

Submissions (2):

Labcorp Genetics (formerly Invitae), Labcorp
Classification: Benign for Congenital contractural arachnodactyly. Last evaluated: 2025-09-03. Review status: criteria provided, single submitter. Criteria: Invitae Variant Classification Sherloc (09022015). Collection method: clinical testing. Allele origin: germline.

Ambry Genetics
Classification: Uncertain significance for Familial thoracic aortic aneurysm and aortic dissection. Last evaluated: 2024-11-09. Review status: criteria provided, single submitter. Criteria: Ambry Variant Classification Scheme 2023. Collection method: clinical testing. Allele origin: germline.
Comment: The p.T623A variant (also known as c.1867A>G), located in coding exon 14 of the FBN2 gene, results from an A to G substitution at nucleotide position 1867. The threonine at codon 623 is replaced by alanine, an amino acid with similar properties. This amino acid position is not well conserved in available vertebrate species. In addition, the in silico prediction for this alteration is inconclusive. Based on the available evidence, the clinical significance of this variant remains unclear.